The following is an entry in ClinVar:

NM_152564.5(VPS13B):c.1206+19_1206+34del

Gene: VPS13B (vacuolar protein sorting 13 homolog B; plus strand). Cytogenetic location: 8q22.2.
Variant type: Deletion.
Coding change: c.1206+19_1206+34del on transcript NM_152564.5 (MANE Select); bases 19 to 34 of the intron after coding-DNA position 1206, 16 bases deleted (TGTTTATATCTCTATC).
Molecular consequence: intron variant. On other transcripts: frameshift variant (1), non-coding transcript variant (1).
Genome position (GRCh38, 1-based): chr8:99,121,464-99,121,479, TGTTTATATCTCTATC deleted; deleting any 16 consecutive bases within chr8:99,121,463-99,121,479 gives the same sequence; the c. name uses the placement nearest the transcript's 3' end. VCF-style (leftmost placement, unchanged base first): chr8-99121462-GCTGTTTATATCTCTAT-G. GRCh37 (hg19) VCF-style: chr8-100133690-GCTGTTTATATCTCTAT-G.
Other names: c.1206+19_1206+34del16 (NM_017890.4); c.1225_1240del, p.Cys409fs (NM_181661.3); c.1206+19_1206+34del (NM_017890.5, NM_015243.3); c.1225_1240del16 (NM_181661.2); short protein forms C409fs.
Identifiers: ClinVar variation 550597 (VCV000550597.11), dbSNP rs750619814, ClinGen allele CA4822560.

ClinVar aggregate classification (germline): Benign. Review status: criteria provided, single submitter (1 of 4 stars). 3 submissions from 3 submitters: Benign (1). 2 of the submissions do not count toward it. Last evaluated 2026-01-11.

Conditions:
VPS13B-related disorder. Also called: VPS13B-related condition.
Cohen syndrome (COH1). Also called: Cutis verticis gyrata, retinitis pigmentosa, and sensorineural deafness; PEPPER SYNDROME. Identifiers: Orphanet 193, MedGen C0265223, MONDO:0008999, OMIM 216550.

Submissions (3):

Labcorp Genetics (formerly Invitae), Labcorp
Classification: Benign for Cohen syndrome. Last evaluated: 2026-01-11. Review status: criteria provided, single submitter. Criteria: Invitae Variant Classification Sherloc (09022015). Collection method: clinical testing. Allele origin: germline.

PreventionGenetics, part of Exact Sciences
Classification: Likely benign for VPS13B-related condition. Last evaluated: 2022-01-26. Review status: no assertion criteria provided. Collection method: clinical testing. Allele origin: germline. Not counted in ClinVar's aggregate classification.
Comment: This variant is classified as likely benign based on ACMG/AMP sequence variant interpretation guidelines (Richards et al. 2015 PMID: 25741868, with internal and published modifications).

Counsyl
Classification: Likely benign for Cohen syndrome. Last evaluated: 2017-02-03. Review status: no assertion criteria provided. Collection method: clinical testing. Allele origin: unknown. Not counted in ClinVar's aggregate classification.